The following is an entry in ClinVar:

ClinVar aggregate classification (germline): Uncertain significance (1 of 4 stars; one submission).

Conditions:
Hypertrophic cardiomyopathy. Also called: HYPERTROPHIC MYOCARDIOPATHY. Identifiers: Orphanet 217569, MedGen C0007194, MeSH D002312, MONDO:0005045, HP:0001639.

Submission:

Labcorp Genetics (formerly Invitae), Labcorp
Classification: Uncertain significance for Hypertrophic cardiomyopathy. Last evaluated: 2024-04-07. Review status: criteria provided, single submitter. Criteria: Invitae Variant Classification Sherloc (09022015). Collection method: clinical testing. Allele origin: germline.
Comment: This sequence change replaces isoleucine, which is neutral and non-polar, with threonine, which is neutral and polar, at codon 192 of the MYH7 protein (p.Ile192Thr). This variant is not present in population databases (gnomAD no frequency). This variant has not been reported in the literature in individuals affected with MYH7-related conditions. Advanced modeling of protein sequence and biophysical properties (such as structural, functional, and spatial information, amino acid conservation, physicochemical variation, residue mobility, and thermodynamic stability) performed at Invitae indicates that this missense variant is expected to disrupt MYH7 protein function with a positive predictive value of 95%. In summary, the available evidence is currently insufficient to determine the role of this variant in disease. Therefore, it has been classified as a Variant of Uncertain Significance.

NM_000257.4(MYH7):c.575T>C (p.Ile192Thr)

Gene: MYH7 (myosin heavy chain 7; minus strand). Cytogenetic location: 14q11.2.
Variant type: single nucleotide variant.
Coding change: c.575T>C on transcript NM_000257.4 (MANE Select); coding-DNA position 575, T replaced by C.
Protein change: p.Ile192Thr; replaces isoleucine 192 with threonine.
Molecular consequence: missense variant.
Genome position (GRCh38, 1-based): chr14:23,431,825, A>G on the plus strand (T>C on the coding strand, the complement: MYH7 is on the minus strand). VCF-style: chr14-23431825-A-G. GRCh37 (hg19) VCF-style: chr14-23901034-A-G.
Other names: c.575T>C, p.Ile192Thr (NM_001407004.1); short protein forms I192T.
Identifiers: ClinVar variation 3636059 (VCV003636059.2).